The following is an entry in ClinVar:

ClinVar aggregate classification (germline): Likely benign. Review status: criteria provided, multiple submitters, no conflicts (2 of 4 stars). 5 submissions from 5 submitters: Likely benign (2). 3 of the submissions do not count toward it. Last evaluated 2025-09-28.

Conditions:
LRP5-related disorder. Also called: LRP5-related condition.

Allele frequency attached by ClinVar (database versions not stated): gnomAD 0.00006 and 0.00007; TOPMed 0.00009; gnomAD exomes 0.00012; ESP Exome Variant Server 0.00031.
gnomAD v4.1: 184 of 1,614,016 alleles (0.011%); highest among the groups gnomAD compares: Non-Finnish European, 0.015%; no homozygotes.

Submissions (5):

Labcorp Genetics (formerly Invitae), Labcorp
Classification: Likely benign. Last evaluated: 2025-09-28. Review status: criteria provided, single submitter. Criteria: Invitae Variant Classification Sherloc (09022015). Collection method: clinical testing. Allele origin: germline.

Blueprint Genetics
Classification: Likely benign. Last evaluated: 2024-11-05. Review status: criteria provided, single submitter. Criteria: ACMG Guidelines, 2015. Collection method: clinical testing. Allele origin: germline.

PreventionGenetics, part of Exact Sciences
Classification: Likely benign for LRP5-related condition. Last evaluated: 2020-11-27. Review status: no assertion criteria provided. Collection method: clinical testing. Allele origin: germline. Not counted in ClinVar's aggregate classification.
Comment: This variant is classified as likely benign based on ACMG/AMP sequence variant interpretation guidelines (Richards et al. 2015 PMID: 25741868, with internal and published modifications).

Clinical Genetics DNA and cytogenetics Diagnostics Lab, Erasmus MC, Erasmus Medical Center
Classification: Likely benign. Review status: no assertion criteria provided. Collection method: clinical testing. Allele origin: germline. Affected: yes. Study: VKGL Data-share Consensus. Not counted in ClinVar's aggregate classification.

Genome Diagnostics Laboratory, Amsterdam University Medical Center
Classification: Likely benign. Review status: no assertion criteria provided. Collection method: clinical testing. Allele origin: germline. Affected: yes. Study: VKGL Data-share Consensus. Not counted in ClinVar's aggregate classification.

NM_002335.4(LRP5):c.1518C>T (p.Asn506=)

Gene: LRP5 (LDL receptor related protein 5; plus strand). Cytogenetic location: 11q13.2.
Variant type: single nucleotide variant.
Coding change: c.1518C>T on transcript NM_002335.4 (MANE Select); coding-DNA position 1518, C replaced by T.
Protein change: p.Asn506=; no amino-acid change (asparagine 506 retained).
Molecular consequence: synonymous variant. On other transcripts: intron variant (1).
Genome position (GRCh38, 1-based): chr11:68,389,986, C>T. VCF-style: chr11-68389986-C-T. GRCh37 (hg19) VCF-style: chr11-68157454-C-T.
Other names: c.-354+3274C>T (NM_001291902.2).
Identifiers: ClinVar variation 765603 (VCV000765603.15), dbSNP rs148073961, ClinGen allele CA6149354.